The following is an entry in ClinVar:

ClinVar aggregate classification (germline): Uncertain significance. Review status: criteria provided, multiple submitters, no conflicts (2 of 4 stars). 2 submissions from 2 submitters: Uncertain significance (2). Last evaluated 2024-01-22.

Allele frequency attached by ClinVar (database versions not stated): gnomAD exomes below 0.00001; ExAC 0.00004.
gnomAD v4.1: 3 of 1,549,214 alleles (0.00019%); highest among the groups gnomAD compares: East Asian, 0.0024%; no homozygotes.

Submissions (2):

Ambry Genetics
Classification: Uncertain significance. Last evaluated: 2024-01-22. Review status: criteria provided, single submitter. Criteria: Ambry Variant Classification Scheme 2023. Collection method: clinical testing. Allele origin: germline.

Labcorp Genetics (formerly Invitae), Labcorp
Classification: Uncertain significance. Last evaluated: 2022-12-06. Review status: criteria provided, single submitter. Criteria: Invitae Variant Classification Sherloc (09022015). Collection method: clinical testing. Allele origin: germline.
Comment: In summary, the available evidence is currently insufficient to determine the role of this variant in disease. Therefore, it has been classified as a Variant of Uncertain Significance. Algorithms developed to predict the effect of sequence changes on RNA splicing suggest that this variant may disrupt the consensus splice site. Algorithms developed to predict the effect of missense changes on protein structure and function are either unavailable or do not agree on the potential impact of this missense change (SIFT: "Deleterious"; PolyPhen-2: "Probably Damaging"; Align-GVGD: "Class C0"). This variant has not been reported in the literature in individuals affected with CCDC88A-related conditions. This variant is present in population databases (rs756932450, gnomAD 0.002%). This sequence change replaces arginine, which is basic and polar, with cysteine, which is neutral and slightly polar, at codon 1487 of the CCDC88A protein (p.Arg1487Cys).

NM_001365480.1(CCDC88A):c.4462C>T (p.Arg1488Cys)

Gene: CCDC88A (coiled-coil and HOOK domain protein 88A; minus strand). Cytogenetic location: 2p16.1.
Variant type: single nucleotide variant.
Coding change: c.4462C>T on transcript NM_001365480.1 (MANE Select); coding-DNA position 4462, C replaced by T.
Protein change: p.Arg1488Cys; replaces arginine 1488 with cysteine.
Molecular consequence: missense variant. On other transcripts: intron variant (1).
Genome position (GRCh38, 1-based): chr2:55,303,078, G>A on the plus strand (C>T on the coding strand, the complement: CCDC88A is on the minus strand). VCF-style: chr2-55303078-G-A. GRCh37 (hg19) VCF-style: chr2-55530214-G-A.
Other names: c.4459C>T (NM_001135597.1); c.4459C>T, p.Arg1487Cys (NM_001135597.2, NM_001254943.2); c.4388-1006C>T (NM_018084.5); short protein forms R1487C, R1488C.
Identifiers: ClinVar variation 2054546 (VCV002054546.5), dbSNP rs756932450, ClinGen allele CA1665580.